The following is an entry in ClinVar:

ClinVar aggregate classification (germline): Uncertain significance (1 of 4 stars; one submission).

Conditions:
Combined oxidative phosphorylation defect type 17. Also called: Combined oxidative phosphorylation deficiency 17. Identifiers: Orphanet 369913, MedGen C3809526, MONDO:0014190, OMIM 615440.

gnomAD v4.1: 3 of 1,612,088 alleles (0.00019%); highest among the groups gnomAD compares: African/African-American, 0.0027%; no homozygotes.

Submission:

Labcorp Genetics (formerly Invitae), Labcorp
Classification: Uncertain significance for Combined oxidative phosphorylation defect type 17. Last evaluated: 2025-02-06. Review status: criteria provided, single submitter. Criteria: Invitae Variant Classification Sherloc (09022015). Collection method: clinical testing. Allele origin: germline.
Comment: This sequence change replaces threonine, which is neutral and polar, with isoleucine, which is neutral and non-polar, at codon 401 of the ELAC2 protein (p.Thr401Ile). This variant is present in population databases (no rsID available, gnomAD 0.007%). This variant has not been reported in the literature in individuals affected with ELAC2-related conditions. Invitae Evidence Modeling of protein sequence and biophysical properties (such as structural, functional, and spatial information, amino acid conservation, physicochemical variation, residue mobility, and thermodynamic stability) indicates that this missense variant is not expected to disrupt ELAC2 protein function with a negative predictive value of 80%. In summary, the available evidence is currently insufficient to determine the role of this variant in disease. Therefore, it has been classified as a Variant of Uncertain Significance.

NM_018127.7(ELAC2):c.1202C>T (p.Thr401Ile)

Gene: ELAC2 (elaC ribonuclease Z 2; minus strand). Cytogenetic location: 17p12.
Variant type: single nucleotide variant.
Coding change: c.1202C>T on transcript NM_018127.7 (MANE Select); coding-DNA position 1202, C replaced by T.
Protein change: p.Thr401Ile; replaces threonine 401 with isoleucine.
Molecular consequence: missense variant.
Genome position (GRCh38, 1-based): chr17:13,002,457, G>A on the plus strand (C>T on the coding strand, the complement: ELAC2 is on the minus strand). VCF-style: chr17-13002457-G-A. GRCh37 (hg19) VCF-style: chr17-12905774-G-A.
Other names: c.1082C>T, p.Thr361Ile (NM_001165962.2); c.1202C>T, p.Thr401Ile (NM_173717.2); short protein forms T361I, T401I.
Identifiers: ClinVar variation 4690697 (VCV004690697.1).